The following is an entry in ClinVar:

NM_001382430.1(AKT1):c.1045T>G (p.Phe349Val)

Gene: AKT1 (AKT serine/threonine kinase 1; minus strand). Cytogenetic location: 14q32.33.
Variant type: single nucleotide variant.
Coding change: c.1045T>G on transcript NM_001382430.1 (MANE Select); coding-DNA position 1045, T replaced by G.
Protein change: p.Phe349Val; replaces phenylalanine 349 with valine.
Molecular consequence: missense variant.
Genome position (GRCh38, 1-based): chr14:104,773,005, A>C on the plus strand (T>G on the coding strand, the complement: AKT1 is on the minus strand). VCF-style: chr14-104773005-A-C. GRCh37 (hg19) VCF-style: chr14-105239342-A-C.
Other names: c.1045T>G, p.Phe349Val (NM_001014431.2, NM_001014432.2, NM_001382431.1 and 3 more transcripts); short protein forms F349V.
Identifiers: ClinVar variation 3519046 (VCV003519046.1).

ClinVar aggregate classification (germline): Uncertain significance (1 of 4 stars; one submission).

Conditions:
Inborn genetic diseases. Identifiers: MedGen C0950123, MeSH D030342.

Submission:

Ambry Genetics
Classification: Uncertain significance for Inborn genetic diseases. Last evaluated: 2024-10-05. Review status: criteria provided, single submitter. Criteria: Ambry Variant Classification Scheme 2023. Collection method: clinical testing. Allele origin: germline.
Comment: The p.F349V variant (also known as c.1045T>G), located in coding exon 10 of the AKT1 gene, results from a T to G substitution at nucleotide position 1045. The phenylalanine at codon 349 is replaced by valine, an amino acid with highly similar properties. This amino acid position is conserved. In addition, this alteration is predicted to be deleterious by in silico analysis. Based on the available evidence, the clinical significance of this variant remains unclear.